The following is an entry in ClinVar:

ClinVar aggregate classification (germline): Pathogenic. Review status: criteria provided, multiple submitters, no conflicts (2 of 4 stars). 3 submissions from 3 submitters: Pathogenic (3). Last evaluated 2025-09-20.

Conditions:
Hereditary nonpolyposis colorectal neoplasms. Identifiers: MedGen C0009405, MeSH D003123.
Hereditary cancer-predisposing syndrome. Also called: Hereditary Cancer Syndrome; Hereditary neoplastic syndrome; Neoplastic Syndromes, Hereditary; Tumor predisposition. Identifiers: Orphanet 140162, MedGen C0027672, MeSH D009386, MONDO:0015356.
Lynch syndrome 4 (LYNCH4). Also called: Colorectal cancer, hereditary nonpolyposis, type 4; Hereditary non-polyposis colorectal cancer, type 4. Identifiers: Orphanet 144, MedGen C1838333, MONDO:0013699, OMIM 614337. Disease mechanism: loss of function.

Submissions (3):

Labcorp Genetics (formerly Invitae), Labcorp
Classification: Pathogenic for Hereditary nonpolyposis colorectal neoplasms. Last evaluated: 2025-09-20. Review status: criteria provided, single submitter. Criteria: Invitae Variant Classification Sherloc (09022015). Collection method: clinical testing. Allele origin: germline.
Comment: This sequence change creates a premature translational stop signal (p.Ser250Argfs*3) in the PMS2 gene. It is expected to result in an absent or disrupted protein product. Loss-of-function variants in PMS2 are known to be pathogenic (PMID: 21376568, 24362816). This variant is not present in population databases (gnomAD no frequency). This variant has not been reported in the literature in individuals affected with PMS2-related conditions. ClinVar contains an entry for this variant (Variation ID: 455740). For these reasons, this variant has been classified as Pathogenic.

Myriad Genetics, Inc.
Classification: Pathogenic for Lynch syndrome 4. Last evaluated: 2023-09-19. Review status: criteria provided, single submitter. Criteria: Myriad Autosomal Dominant, Autosomal Recessive and X-Linked Classification Criteria (2023). Collection method: clinical testing. Allele origin: unknown.
Comment: This variant is considered pathogenic. This variant creates a frameshift predicted to result in premature protein truncation.

Ambry Genetics
Classification: Pathogenic for Hereditary cancer-predisposing syndrome. Last evaluated: 2021-04-09. Review status: criteria provided, single submitter. Criteria: Ambry Variant Classification Scheme 2023. Collection method: clinical testing. Allele origin: germline.
Comment: The c.748_749delTC pathogenic mutation, located in coding exon 7 of the PMS2 gene, results from a deletion of two nucleotides at nucleotide positions 748 to 749, causing a translational frameshift with a predicted alternate stop codon (p.S250Rfs*3). This alteration is expected to result in loss of function by premature protein truncation or nonsense-mediated mRNA decay. As such, this alteration is interpreted as a disease-causing mutation.

Literature cited by the submitters: PubMed 21376568 (cited by Labcorp Genetics (formerly Invitae), Labcorp); PubMed 24362816 (cited by Labcorp Genetics (formerly Invitae), Labcorp).

NM_000535.7(PMS2):c.748_749del (p.Ser250fs)

Gene: PMS2 (PMS1 homolog 2, mismatch repair system component; minus strand). Cytogenetic location: 7p22.1.
Variant type: Deletion.
Coding change: c.748_749del on transcript NM_000535.7 (MANE Select); coding-DNA positions 748 to 749, 2 bases deleted (TC; older notation c.748_749delTC).
Protein change: p.Ser250fs; shifts the reading frame from serine 250.
Molecular consequence: frameshift variant. On other transcripts: 5 prime UTR variant (2), non-coding transcript variant (1).
Genome position (GRCh38, 1-based): chr7:5,997,380-5,997,381, GA deleted on the plus strand (TC on the coding strand, the reverse complement: PMS2 is on the minus strand); deleting any 2 consecutive bases within chr7:5,997,380-5,997,382 gives the same sequence; the c. name uses the placement nearest the transcript's 3' end. VCF-style (leftmost placement, unchanged base first): chr7-5997379-GGA-G. GRCh37 (hg19) VCF-style: chr7-6037010-GGA-G.
Other names: c.748_749del (NM_000535.5); c.343_344del, p.Ser115fs (NM_001322003.2, NM_001322004.2, NM_001322005.2 and 2 more transcripts); c.748_749del, p.Ser250fs (NM_001322006.2, NM_001322014.2); c.430_431del, p.Ser144fs (NM_001322007.2, NM_001322008.2); c.-186_-185del (NM_001322011.2, NM_001322012.2); c.175_176del, p.Ser59fs (NM_001322013.2); c.439_440del, p.Ser147fs (NM_001322015.2); short protein forms S147fs, S59fs, S144fs, S250fs, S115fs.
Identifiers: ClinVar variation 455740 (VCV000455740.12), dbSNP rs1554301486, ClinGen allele CA658657645.